The following is an entry in ClinVar:

NM_000261.2(MYOC):c.1111T>G (p.Tyr371Asp)

Gene: MYOC (myocilin; minus strand). Cytogenetic location: 1q24.3.
Variant type: single nucleotide variant.
Coding change: c.1111T>G on transcript NM_000261.2 (MANE Select); coding-DNA position 1111, T replaced by G.
Protein change: p.Tyr371Asp; replaces tyrosine 371 with aspartic acid.
Molecular consequence: missense variant.
Genome position (GRCh38, 1-based): chr1:171,636,329, A>C on the plus strand (T>G on the coding strand, the complement: MYOC is on the minus strand). VCF-style: chr1-171636329-A-C. GRCh37 (hg19) VCF-style: chr1-171605469-A-C.
Other names: NM_000261.2:c.1111T>G; short protein forms Y371D.
Identifiers: ClinVar variation 2500835 (VCV002500835.2), dbSNP rs878854408, ClinGen allele CA343724686.

ClinVar aggregate classification (germline): Likely pathogenic (3 of 4 stars; one submission).

Conditions:
Open-angle glaucoma. Identifiers: MedGen C0017612, MONDO:0005338, HP:0012108.

Submission:

ClinGen Glaucoma Variant Curation Expert Panel
Classification: Likely pathogenic for Open-angle glaucoma. Last evaluated: 2026-02-18. Review status: reviewed by expert panel. Criteria: ClinGen Glaucoma ACMG Specifications V2.0.0 Approved. Collection method: curation. Allele origin: germline. Inheritance: Autosomal dominant inheritance.
Comment: The c.1111T>G variant in MYOC is a missense variant predicted to cause substitution of Tyrosine by Aspartic Acid at amino acid 371 (p.Tyr371Asp). This variant was not found in any genetic ancestry group of gnomAD (v4.1.0), meeting the ≤ 0.0001 threshold set for PM2_Supporting in a genetic ancestry group of at least 10,000 alleles. The REVEL score = 0.892, which was within the 0.773-0.931 range for PP3_Moderate, predicting a damaging effect on MYOC function. The Tyr371Asp protein had increased insolubility and reduced secretion levels compared to wild type myocilin protein in this study (PMID: 36267417). The assays met the OddsPath threshold for PS3_Moderate (> 4.3), indicating that this variant did impact protein function. 3 segregations in 1 family, with juvenile open angle glaucoma (JOAG), have been reported (PMID: 19784393), which fulfilled PP1 (3-4 meioses). Only 1 proband with JOAG had been reported (PMID: 19784393), not meeting the ≥ 2 probands threshold required to meet PS4_Supporting. In summary, this variant met the criteria to receive a score of 6 and to be classified as likely pathogenic (likely pathogenic classification range 6 to 9, adapted from PMID: 32720330) for juvenile open angle glaucoma based on the ACMG/AMP criteria met, as specified by the ClinGen Glaucoma VCEP (v2.0.0, 5 Dec 2024): PS3_Moderate, PP3_Moderate, PP1, PM2_Supporting

Literature cited by the submitters: PubMed 36267417.